The following is an entry in ClinVar:

ClinVar aggregate classification (germline): Conflicting classifications of pathogenicity. Review status: criteria provided, conflicting classifications (1 of 4 stars). 3 submissions from 3 submitters: Uncertain significance (1); Likely benign (2). Last evaluated 2025-06-13.

Conditions:
Cardiovascular phenotype. Identifiers: MedGen CN230736.
Long QT syndrome (LQTS). Identifiers: MedGen C0023976, MeSH D008133, MONDO:0002442. Disease mechanism: loss of function. Inheritance: Various modes of inheritance.

Allele frequency attached by ClinVar (database versions not stated): ExAC 0.00003; gnomAD 0.00003 and 0.00004; gnomAD exomes 0.00003 and 0.00006; TOPMed 0.00007; ESP Exome Variant Server 0.00008; 1000 Genomes Project 0.00020; 1000 Genomes Project 30x 0.00031.
gnomAD v4.1: 63 of 1,614,048 alleles (0.0039%); highest among the groups gnomAD compares: Middle Eastern, 0.033%; no homozygotes.

Submissions (3):

Labcorp Genetics (formerly Invitae), Labcorp
Classification: Uncertain significance for Long QT syndrome. Last evaluated: 2025-06-13. Review status: criteria provided, single submitter. Criteria: Invitae Variant Classification Sherloc (09022015). Collection method: clinical testing. Allele origin: germline.
Comment: This sequence change replaces glutamine, which is neutral and polar, with arginine, which is basic and polar, at codon 420 of the AKAP9 protein (p.Gln420Arg). This variant is present in population databases (rs375876545, gnomAD 0.009%). This variant has not been reported in the literature in individuals affected with AKAP9-related conditions. ClinVar contains an entry for this variant (Variation ID: 519480). An algorithm developed to predict the effect of missense changes on protein structure and function outputs the following: PolyPhen-2: "Benign". The arginine amino acid residue is found in multiple mammalian species, which suggests that this missense change does not adversely affect protein function. In summary, the available evidence is currently insufficient to determine the role of this variant in disease. Therefore, it has been classified as a Variant of Uncertain Significance.

Blueprint Genetics
Classification: Likely benign. Last evaluated: 2024-05-28. Review status: criteria provided, single submitter. Criteria: ACMG Guidelines, 2015. Collection method: clinical testing. Allele origin: germline.

Ambry Genetics
Classification: Likely benign for Cardiovascular phenotype. Last evaluated: 2022-07-11. Review status: criteria provided, single submitter. Criteria: Ambry Variant Classification Scheme 2023. Collection method: clinical testing. Allele origin: germline.

NM_005751.5(AKAP9):c.1259A>G (p.Gln420Arg)

Gene: AKAP9 (A-kinase anchoring protein 9; plus strand). Cytogenetic location: 7q21.2.
Variant type: single nucleotide variant.
Coding change: c.1259A>G on transcript NM_005751.5 (MANE Select); coding-DNA position 1259, A replaced by G.
Protein change: p.Gln420Arg; replaces glutamine 420 with arginine.
Molecular consequence: missense variant.
Genome position (GRCh38, 1-based): chr7:92,001,176, A>G. VCF-style: chr7-92001176-A-G. GRCh37 (hg19) VCF-style: chr7-91630490-A-G.
Other names: c.1259A>G, p.Gln420Arg (NM_147185.3); short protein forms Q420R.
Identifiers: ClinVar variation 519480 (VCV000519480.13), dbSNP rs375876545, ClinGen allele CA4335991.